The following is an entry in ClinVar:

ClinVar aggregate classification (germline): Uncertain significance (1 of 4 stars; one submission).

gnomAD v4.1: 1 of 1,613,140 alleles (0.000062%); highest among the groups gnomAD compares: South Asian, 0.0011%; no homozygotes.

Submission:

Labcorp Genetics (formerly Invitae), Labcorp
Classification: Uncertain significance. Last evaluated: 2025-10-01. Review status: criteria provided, single submitter. Criteria: Invitae Variant Classification Sherloc (09022015). Collection method: clinical testing. Allele origin: germline.
Comment: This sequence change replaces asparagine, which is neutral and polar, with threonine, which is neutral and polar, at codon 254 of the LZTR1 protein (p.Asn254Thr). This variant is not present in population databases (gnomAD no frequency). This variant has not been reported in the literature in individuals affected with LZTR1-related conditions. Invitae Evidence Modeling of protein sequence and biophysical properties (such as structural, functional, and spatial information, amino acid conservation, physicochemical variation, residue mobility, and thermodynamic stability) indicates that this missense variant is not expected to disrupt LZTR1 protein function with a negative predictive value of 80%. In summary, the available evidence is currently insufficient to determine the role of this variant in disease. Therefore, it has been classified as a Variant of Uncertain Significance.

NM_006767.4(LZTR1):c.761A>C (p.Asn254Thr)

Gene: LZTR1 (leucine zipper like post translational regulator 1; plus strand). Cytogenetic location: 22q11.21.
Variant type: single nucleotide variant.
Coding change: c.761A>C on transcript NM_006767.4 (MANE Select); coding-DNA position 761, A replaced by C.
Protein change: p.Asn254Thr; replaces asparagine 254 with threonine.
Molecular consequence: missense variant.
Genome position (GRCh38, 1-based): chr22:20,990,495, A>C. VCF-style: chr22-20990495-A-C. GRCh37 (hg19) VCF-style: chr22-21344784-A-C.
Other names: short protein forms N254T.
Identifiers: ClinVar variation 4812097 (VCV004812097.1).